The following is an entry in ClinVar:

NM_001457.4(FLNB):c.4229C>T (p.Pro1410Leu)

Gene: FLNB (filamin B; plus strand). Cytogenetic location: 3p14.3.
Variant type: single nucleotide variant.
Coding change: c.4229C>T on transcript NM_001457.4 (MANE Select); coding-DNA position 4229, C replaced by T.
Protein change: p.Pro1410Leu; replaces proline 1410 with leucine.
Molecular consequence: missense variant.
Genome position (GRCh38, 1-based): chr3:58,130,747, C>T. VCF-style: chr3-58130747-C-T. GRCh37 (hg19) VCF-style: chr3-58116474-C-T.
Other names: c.4229C>T, p.Pro1410Leu (NM_001164317.2, NM_001164318.2, NM_001164319.2); short protein forms P1410L.
Identifiers: ClinVar variation 2444804 (VCV002444804.1), dbSNP rs2107204256, ClinGen allele CA353350486.

ClinVar aggregate classification (germline): Uncertain significance (1 of 4 stars; one submission).

Submission:

GeneDx
Classification: Uncertain significance. Last evaluated: 2022-09-18. Review status: criteria provided, single submitter. Criteria: GeneDx Variant Classification Process June 2021. Collection method: clinical testing. Allele origin: germline. Affected: yes.
Comment: Not observed at significant frequency in large population cohorts (gnomAD); In silico analysis supports that this missense variant has a deleterious effect on protein structure/function; Has not been previously published as pathogenic or benign to our knowledge